The following is an entry in ClinVar:

ClinVar aggregate classification (germline): Likely benign (1 of 4 stars; one submission).

Conditions:
DST-related disorder. Also called: DST-related condition; DST-related disorders.

gnomAD v4.1: 1 of 1,614,206 alleles (0.000062%); highest among the groups gnomAD compares: Middle Eastern, 0.016%; no homozygotes.

Submission:

PreventionGenetics, part of Exact Sciences
Classification: Likely benign for DST-related condition. Last evaluated: 2026-06-01. Review status: criteria provided, single submitter. Criteria: ACMG Guidelines, 2015. Collection method: clinical testing. Allele origin: germline.
Comment: This variant is classified as likely benign based on ACMG/AMP sequence variant interpretation guidelines (Richards et al. 2015 PMID: 25741868, with internal and published modifications).

NM_001723.7(DST):c.5436A>G (p.Glu1812=)

Gene: DST (dystonin; minus strand). Cytogenetic location: 6p12.1.
Variant type: single nucleotide variant.
Coding change: c.5436A>G on transcript NM_001723.7 (MANE Plus Clinical); coding-DNA position 5436, A replaced by G.
Protein change: p.Glu1812=; no amino-acid change (glutamic acid 1812 retained).
Molecular consequence: synonymous variant. On other transcripts: intron variant (10).
Genome position (GRCh38, 1-based): chr6:56,618,598, T>C on the plus strand (A>G on the coding strand, the complement: DST is on the minus strand). VCF-style: chr6-56618598-T-C. GRCh37 (hg19) VCF-style: chr6-56483396-T-C.
Other names: c.4831-4114A>G (NM_001144769.5); c.4930-4114A>G (NM_001374722.1, NM_001374736.1); c.4957-4114A>G (NM_001374734.1); c.4417-4114A>G (NM_001144770.2); c.4297-4114A>G (NM_001374730.1, NM_001386100.1, NM_183380.4 and 1 more transcripts); c.3319-4114A>G (NM_015548.5).
Identifiers: ClinVar variation 4998740 (VCV004998740.1).